The following is an entry in ClinVar:

NC_000002.12:g.(?_110144493)_(110150256_?)del

Gene: NPHP1 (nephrocystin 1; minus strand). Cytogenetic location: 2q13.
Variant type: Deletion.
Identifiers: ClinVar variation 833115 (VCV000833115.3).

ClinVar aggregate classification (germline): Pathogenic (1 of 4 stars; one submission).

Conditions:
Nephronophthisis. Also called: Juvenile Nephronophthisis. Identifiers: Orphanet 655, MedGen C0687120, MONDO:0019005, HP:0000090.

Submission:

Labcorp Genetics (formerly Invitae), Labcorp
Classification: Pathogenic for Nephronophthisis. Last evaluated: 2022-08-09. Review status: criteria provided, single submitter. Criteria: Invitae Variant Classification Sherloc (09022015). Collection method: clinical testing. Allele origin: germline.
Comment: For these reasons, this variant has been classified as Pathogenic. This variant has not been reported in the literature in individuals affected with NPHP1-related conditions. This variant is a gross deletion of the genomic region encompassing exon(s) 12-15 of the NPHP1 gene. This deletion is out-of-frame, and is expected to create a premature termination codon and result in an absent or disrupted protein product. Loss-of-function variants in NPHP1 are known to be pathogenic (PMID: 23559409).

Literature cited by the submitters: PubMed 23559409.